The following is an entry in ClinVar:

NM_001267550.2(TTN):c.28463-201T>C

Gene: TTN (titin; minus strand). Cytogenetic location: 2q31.2.
Variant type: single nucleotide variant.
Coding change: c.28463-201T>C on transcript NM_001267550.2 (MANE Select); 201 bases into the intron before coding-DNA position 28463, T replaced by C.
Molecular consequence: intron variant.
Genome position (GRCh38, 1-based): chr2:178,710,057, A>G on the plus strand (T>C on the coding strand, the complement: TTN is on the minus strand). VCF-style: chr2-178710057-A-G. GRCh37 (hg19) VCF-style: chr2-179574784-A-G.
Other names: c.13282+28025T>C (NM_003319.4); c.13858+28025T>C (NM_133437.4); c.13657+28025T>C (NM_133432.3); c.24731-201T>C (NM_133378.4); c.27512-201T>C (NM_001256850.1).
Identifiers: ClinVar variation 675638 (VCV000675638.1), dbSNP rs111503066, ClinGen allele CA60963612.

ClinVar aggregate classification (germline): Likely benign (1 of 4 stars; one submission).

Allele frequency attached by ClinVar (database versions not stated): 1000 Genomes Project 0.00479; 1000 Genomes Project 30x 0.00484; gnomAD 0.00506 and 0.00548; TOPMed 0.00568.
gnomAD v4.1: 766 of 152,326 alleles (0.5%); highest among the groups gnomAD compares: African/African-American, 1.7%; 8 homozygotes.

Submission:

GeneDx
Classification: Likely benign. Last evaluated: 2018-06-14. Review status: criteria provided, single submitter. Criteria: GeneDx Variant Classification (06012015). Collection method: clinical testing. Allele origin: germline. Affected: yes.
Comment: This variant is considered likely benign or benign based on one or more of the following criteria: it is a conservative change, it occurs at a poorly conserved position in the protein, it is predicted to be benign by multiple in silico algorithms, and/or has population frequency not consistent with disease.